The following is an entry in ClinVar:

ClinVar aggregate classification (germline): Uncertain significance. Review status: criteria provided, multiple submitters, no conflicts (2 of 4 stars). 2 submissions from 2 submitters: Uncertain significance (2). Last evaluated 2025-11-10.

Allele frequency attached by ClinVar (database versions not stated): TOPMed below 0.00001; gnomAD exomes below 0.00001.

Submissions (2):

Dasa
Classification: Uncertain significance. Last evaluated: 2025-11-10. Review status: criteria provided, single submitter. Criteria: DASA Assertion Criteria. Collection method: clinical testing. Allele origin: germline.
Comment: NM_002098.6(GUCA1B):c.457G>C (p.Val153Leu) is a missense variant that results in the substitution of valine with leucine. This variant is rare in population databases. The currently available literature and clinical evidence are not sufficient to establish a definitive association between this variant and the reported condition. Therefore, this variant is classified as a variant of uncertain significance.

Labcorp Genetics (formerly Invitae), Labcorp
Classification: Uncertain significance. Last evaluated: 2023-11-27. Review status: criteria provided, single submitter. Criteria: Invitae Variant Classification Sherloc (09022015). Collection method: clinical testing. Allele origin: germline.
Comment: This sequence change replaces valine, which is neutral and non-polar, with leucine, which is neutral and non-polar, at codon 153 of the GUCA1B protein (p.Val153Leu). This variant is not present in population databases (gnomAD no frequency). This variant has not been reported in the literature in individuals affected with GUCA1B-related conditions. ClinVar contains an entry for this variant (Variation ID: 1479938). An algorithm developed to predict the effect of missense changes on protein structure and function (PolyPhen-2) suggests that this variant is likely to be tolerated. In summary, the available evidence is currently insufficient to determine the role of this variant in disease. Therefore, it has been classified as a Variant of Uncertain Significance.

NM_002098.6(GUCA1B):c.457G>C (p.Val153Leu)

Gene: GUCA1B (guanylate cyclase activator 1B; minus strand). Cytogenetic location: 6p21.1.
Variant type: single nucleotide variant.
Coding change: c.457G>C on transcript NM_002098.6 (MANE Select); coding-DNA position 457, G replaced by C.
Protein change: p.Val153Leu; replaces valine 153 with leucine.
Molecular consequence: missense variant.
Genome position (GRCh38, 1-based): chr6:42,185,698, C>G on the plus strand (G>C on the coding strand, the complement: GUCA1B is on the minus strand). VCF-style: chr6-42185698-C-G. GRCh37 (hg19) VCF-style: chr6-42153436-C-G.
Other names: short protein forms V153L.
Identifiers: ClinVar variation 1479938 (VCV001479938.10), dbSNP rs1054494562, ClinGen allele CA138140318.